The following is an entry in ClinVar:

NM_017777.4(MKS1):c.1273+6C>T

Gene: MKS1 (MKS transition zone complex subunit 1; minus strand). Cytogenetic location: 17q22.
Variant type: single nucleotide variant.
Coding change: c.1273+6C>T on transcript NM_017777.4 (MANE Select); 6 bases into the intron after coding-DNA position 1273, C replaced by T.
Molecular consequence: intron variant.
Genome position (GRCh38, 1-based): chr17:58,207,888, G>A on the plus strand (C>T on the coding strand, the complement: MKS1 is on the minus strand). VCF-style: chr17-58207888-G-A. GRCh37 (hg19) VCF-style: chr17-56285249-G-A.
Other names: c.664+6C>T (NM_001321268.2); c.1273+6C>T (NM_001330397.2, NM_001321269.2).
Identifiers: ClinVar variation 291283 (VCV000291283.13), dbSNP rs371480628, ClinGen allele CA8669216.
Genomic context (GRCh38, chr17:58,207,888, plus strand): 5'-GAGTGTTAGTCTTGTTCTTAGGGCCTAGGGCATGTGGGCCACAGAAGGGCAGAGACGAGC[G>A]GTTACCTGGAGTGGCAGGCAGCACCACAGCCCCATAGCCTTCCACACGGTACCTCTGCCA-3'

ClinVar aggregate classification (germline): Conflicting classifications of pathogenicity. Review status: criteria provided, conflicting classifications (1 of 4 stars). 7 submissions from 7 submitters: Uncertain significance (3); Likely benign (1). 3 of the submissions do not count toward it. Last evaluated 2022-05-31.

Conditions:
MKS1-related disorder. Also called: MKS1-related condition; MKS1-related disorders. Identifiers: MedGen CN239382.
Retinal dystrophy. Also called: Inherited retinal dystrophy. Identifiers: Orphanet 71862, MedGen C0854723, MeSH D058499, MONDO:0019118, HP:0000556.
Meckel-Gruber syndrome. Also called: DYSENCEPHALIA SPLANCHNOCYSTICA; GRUBER SYNDROME; Dysencephalia splachnocystica. Identifiers: Orphanet 564, MedGen C0265215, MONDO:0018921.
Joubert syndrome. Also called: JOUBERT-BOLTSHAUSER SYNDROME; Familial aplasia of the vermis. Identifiers: Orphanet 475, MedGen C5979921, MONDO:0018772.
Meckel syndrome, type 1 (MKS1). Also called: MECKEL-GRUBER SYNDROME, TYPE 1. Identifiers: Orphanet 564, MedGen C3714506, MONDO:0009571, OMIM 249000.

Allele frequency attached by ClinVar (database versions not stated): gnomAD exomes 0.00002 and 0.00007; TOPMed 0.00003; gnomAD 0.00004; ExAC 0.00005; ESP Exome Variant Server 0.00008.
gnomAD v4.1: 40 of 1,611,846 alleles (0.0025%); highest among the groups gnomAD compares: Middle Eastern, 0.017%; no homozygotes.

Submissions (7):

Labcorp Genetics (formerly Invitae), Labcorp
Classification: Uncertain significance for Joubert syndrome; Meckel-Gruber syndrome. Last evaluated: 2022-05-31. Review status: criteria provided, single submitter. Criteria: Invitae Variant Classification Sherloc (09022015). Collection method: clinical testing. Allele origin: germline.
Comment: This sequence change falls in intron 14 of the MKS1 gene. It does not directly change the encoded amino acid sequence of the MKS1 protein. It affects a nucleotide within the consensus splice site. This variant is present in population databases (rs371480628, gnomAD 0.02%). This variant has not been reported in the literature in individuals affected with MKS1-related conditions. ClinVar contains an entry for this variant (Variation ID: 291283). Variants that disrupt the consensus splice site are a relatively common cause of aberrant splicing (PMID: 17576681, 9536098). Algorithms developed to predict the effect of sequence changes on RNA splicing suggest that this variant is not likely to affect RNA splicing. In summary, the available evidence is currently insufficient to determine the role of this variant in disease. Therefore, it has been classified as a Variant of Uncertain Significance.

Blueprint Genetics
Classification: Likely benign. Last evaluated: 2021-12-22. Review status: criteria provided, single submitter. Criteria: ACMG Guidelines, 2015. Collection method: clinical testing. Allele origin: germline.

Center for Pediatric Genomic Medicine, Children's Mercy Hospital and Clinics
Classification: Uncertain significance. Last evaluated: 2017-07-07. Review status: criteria provided, single submitter. Criteria: ACMG Guidelines, 2015. Collection method: clinical testing. Allele origin: germline.

Eurofins Ntd Llc (ga)
Classification: Uncertain significance. Last evaluated: 2016-09-23. Review status: criteria provided, single submitter. Criteria: EGL Classification Definitions 2015. Collection method: clinical testing. Allele origin: germline. Observed: 1 variant allele, 1 heterozygote.

PreventionGenetics, part of Exact Sciences
Classification: Likely benign for MKS1-related condition. Last evaluated: 2022-09-14. Review status: no assertion criteria provided. Collection method: clinical testing. Allele origin: germline. Not counted in ClinVar's aggregate classification.
Comment: This variant is classified as likely benign based on ACMG/AMP sequence variant interpretation guidelines (Richards et al. 2015 PMID: 25741868, with internal and published modifications).

Institute of Human Genetics, Univ. Regensburg, Univ. Regensburg
Classification: Uncertain significance for Retinal dystrophy. Last evaluated: 2022-01-01. Review status: no assertion criteria provided. Criteria: ACMG Guidelines, 2015. Collection method: clinical testing. Allele origin: germline. Affected: yes. Not counted in ClinVar's aggregate classification.

Natera, Inc.
Classification: Uncertain significance for Meckel syndrome type 1. Last evaluated: 2020-09-16. Review status: no assertion criteria provided. Collection method: clinical testing. Allele origin: germline. Not counted in ClinVar's aggregate classification.

Literature cited by the submitters: PubMed 17576681 (cited by Labcorp Genetics (formerly Invitae), Labcorp); PubMed 9536098 (cited by Labcorp Genetics (formerly Invitae), Labcorp).